The following is an entry in ClinVar:

ClinVar aggregate classification (germline): Likely benign (0 of 4 stars; one submission).

Conditions:
PLXNA4-related disorder. Also called: PLXNA4-related condition.

Allele frequency attached by ClinVar (database versions not stated): gnomAD exomes 0.00002; ExAC 0.00006; gnomAD 0.00007; TOPMed 0.00007; ESP Exome Variant Server 0.00008; 1000 Genomes Project 0.00020; 1000 Genomes Project 30x 0.00031.
gnomAD v4.1: 37 of 1,603,586 alleles (0.0023%); highest among the groups gnomAD compares: African/African-American, 0.019%; no homozygotes.

Submission:

PreventionGenetics, part of Exact Sciences
Classification: Likely benign for PLXNA4-related condition. Last evaluated: 2021-09-15. Review status: no assertion criteria provided. Collection method: clinical testing. Allele origin: germline.
Comment: This variant is classified as likely benign based on ACMG/AMP sequence variant interpretation guidelines (Richards et al. 2015 PMID: 25741868, with internal and published modifications).

NM_020911.2(PLXNA4):c.1248C>T (p.Ser416=)

Gene: PLXNA4 (plexin A4; minus strand). Cytogenetic location: 7q32.3.
Variant type: single nucleotide variant.
Coding change: c.1248C>T on transcript NM_020911.2 (MANE Select); coding-DNA position 1248, C replaced by T.
Protein change: p.Ser416=; no amino-acid change (serine 416 retained).
Molecular consequence: synonymous variant.
Genome position (GRCh38, 1-based): chr7:132,489,415, G>A on the plus strand (C>T on the coding strand, the complement: PLXNA4 is on the minus strand). VCF-style: chr7-132489415-G-A. GRCh37 (hg19) VCF-style: chr7-132174174-G-A.
Other names: c.1248C>T, p.Ser416= (NM_001105543.2, NM_001393897.1, NM_181775.4).
Identifiers: ClinVar variation 3030977 (VCV003030977.2), dbSNP rs374767499, ClinGen allele CA4490330.
Genomic context (GRCh38, chr7:132,489,415, plus strand): 5'-GATGACAGACGTCATGCGGTCCCTGTCCTCCGTGAAGACGGGAATTCCACGCACCATGTC[G>A]GACACTCCCAGGGGAGCATTCATGTCCAGGCCACAGAAGTTATCGTCAATGGTTAAGAGC-3'
Protein context (NP_065962.1, residues 406-426): GLDMNAPLGV[Ser416=]DMVRGIPVFT